The following is an entry in ClinVar:

ClinVar aggregate classification (germline): Likely benign (1 of 4 stars; one submission).

Conditions:
Autosomal recessive omodysplasia (OMOD1). Also called: MICROMELIC DYSPLASIA, CONGENITAL, WITH DISLOCATION OF RADIUS. Identifiers: Orphanet 2733, Orphanet 93329, MedGen C1850318, MONDO:0009779, OMIM 258315.

Allele frequency attached by ClinVar (database versions not stated): gnomAD 0.00064 and 0.00080; TOPMed 0.00068; 1000 Genomes Project 30x 0.00219; 1000 Genomes Project 0.00220.

Submission:

Illumina Laboratory Services, Illumina
Classification: Likely benign for Autosomal recessive omodysplasia. Last evaluated: 2018-01-12. Review status: criteria provided, single submitter. Criteria: ICSL Variant Classification Criteria 13 December 2019. Collection method: clinical testing. Allele origin: germline.
Comment: This variant was observed in the ICSL laboratory as part of a predisposition screen in an ostensibly healthy population. It had not been previously curated by ICSL or reported in the Human Gene Mutation Database (HGMD: prior to June 1st, 2018), and was therefore a candidate for classification through an automated scoring system. Utilizing variant allele frequency, disease prevalence and penetrance estimates, and inheritance mode, an automated score was calculated to assess if this variant is too frequent to cause the disease. Based on the score and internal cut-off values, a variant classified as likely benign is not then subjected to further curation. The score for this variant resulted in a classification of likely benign for this disease.

NM_005708.5(GPC6):c.*4169A>C

Gene: GPC6 (glypican 6; plus strand). Cytogenetic location: 13q32.1.
Variant type: single nucleotide variant.
Coding change: c.*4169A>C on transcript NM_005708.5 (MANE Select); 4169 bases downstream of the stop codon, A replaced by C.
Molecular consequence: 3 prime UTR variant.
Genome position (GRCh38, 1-based): chr13:94,407,386, A>C. VCF-style: chr13-94407386-A-C. GRCh37 (hg19) VCF-style: chr13-95059640-A-C.
Identifiers: ClinVar variation 312605 (VCV000312605.5), dbSNP rs528405141, ClinGen allele CA10639815.